The following is an entry in ClinVar:

NM_001556.3(IKBKB):c.800+70C>G

Gene: IKBKB (inhibitor of nuclear factor kappa B kinase subunit beta; plus strand). Cytogenetic location: 8p11.21.
Variant type: single nucleotide variant.
Coding change: c.800+70C>G on transcript NM_001556.3 (MANE Select); 70 bases into the intron after coding-DNA position 800, C replaced by G.
Molecular consequence: intron variant.
Genome position (GRCh38, 1-based): chr8:42,314,499, C>G. VCF-style: chr8-42314499-C-G. GRCh37 (hg19) VCF-style: chr8-42172017-C-G.
Other names: c.623+70C>G (NM_001242778.2); c.608+70C>G (NM_001190720.3).
Identifiers: ClinVar variation 1247956 (VCV001247956.5), dbSNP rs7814513, ClinGen allele CA12915127.

ClinVar aggregate classification (germline): Benign. Review status: criteria provided, multiple submitters, no conflicts (2 of 4 stars). 3 submissions from 3 submitters: Benign (3). Last evaluated 2023-11-12.

Allele frequency attached by ClinVar (database versions not stated): 1000 Genomes Project 30x 0.68785; 1000 Genomes Project 0.69529; TOPMed 0.75395; gnomAD 0.75450 and 0.76020.
gnomAD v4.1: 919,821 of 1,051,218 alleles (88%); highest among the groups gnomAD compares: Non-Finnish European, 93%; 411,842 homozygotes.

Submissions (3):

Unidad de Genómica Garrahan, Hospital de Pediatría Garrahan
Classification: Benign. Last evaluated: 2023-11-12. Review status: criteria provided, single submitter. Criteria: ACMG Guidelines, 2015. Collection method: clinical testing. Allele origin: germline. Affected: no. Observed: 93 variant alleles.
Comment: This variant is classified as Benign based on local population frequency. This variant was detected in 97% of patients studied by a panel of primary immunodeficiencies. Number of patients: 93. Only high quality variants are reported.

GeneDx
Classification: Benign. Last evaluated: 2018-11-12. Review status: criteria provided, single submitter. Criteria: GeneDx Variant Classification Process June 2021. Collection method: clinical testing. Allele origin: germline. Affected: yes.

Breakthrough Genomics
Classification: Benign. Review status: criteria provided, single submitter. Criteria: ACMG Guidelines, 2015. Collection method: not provided. Allele origin: germline. Inheritance: Autosomal recessive inheritance. Affected: yes.